The following is an entry in ClinVar:

NM_006744.4(RBP4):c.24G>T (p.Leu8Phe)

Gene: RBP4 (retinol binding protein 4; minus strand). Cytogenetic location: 10q23.33.
Variant type: single nucleotide variant.
Coding change: c.24G>T on transcript NM_006744.4 (MANE Select); coding-DNA position 24, G replaced by T.
Protein change: p.Leu8Phe; replaces leucine 8 with phenylalanine.
Molecular consequence: missense variant. On other transcripts: intron variant (1).
Genome position (GRCh38, 1-based): chr10:93,601,005, C>A on the plus strand (G>T on the coding strand, the complement: RBP4 is on the minus strand). VCF-style: chr10-93601005-C-A. GRCh37 (hg19) VCF-style: chr10-95360762-C-A.
Other names: c.24G>T, p.Leu8Phe (NM_001323517.1); c.52-34G>T (NM_001323518.2); c.24G>T (NM_006744.3); short protein forms L8F.
Identifiers: ClinVar variation 499650 (VCV000499650.17), dbSNP rs11546956, ClinGen allele CA5609696.

ClinVar aggregate classification (germline): Uncertain significance. Review status: criteria provided, multiple submitters, no conflicts (2 of 4 stars). 5 submissions from 5 submitters: Uncertain significance (3). 2 of the submissions do not count toward it. Last evaluated 2025-09-25.

Conditions:
Progressive retinal dystrophy due to retinol transport defect. Also called: Retinal dystrophy, iris coloboma, and comedogenic acne syndrome. Identifiers: Orphanet 352718, MedGen C3554593, MONDO:0014060, OMIM 615147.
Microphthalmia, isolated, with coloboma 10 (MCOPCB10). Also called: MICROPHTHALMIA/COLOBOMA 10. Identifiers: Orphanet 98938, MedGen C4225330, MONDO:0014635, OMIM 616428.
Retinal dystrophy. Also called: Inherited retinal dystrophy. Identifiers: Orphanet 71862, MedGen C0854723, MeSH D058499, MONDO:0019118, HP:0000556.

Allele frequency attached by ClinVar (database versions not stated): gnomAD 0.00010 and 0.00011; TOPMed 0.00011; gnomAD exomes 0.00003; ExAC 0.00006; ESP Exome Variant Server 0.00008.
gnomAD v4.1: 107 of 1,611,686 alleles (0.0066%); highest among the groups gnomAD compares: Non-Finnish European, 0.0089%; no homozygotes.

Submissions (5):

Labcorp Genetics (formerly Invitae), Labcorp
Classification: Uncertain significance. Last evaluated: 2025-09-25. Review status: criteria provided, single submitter. Criteria: Invitae Variant Classification Sherloc (09022015). Collection method: clinical testing. Allele origin: germline.
Comment: This sequence change replaces leucine, which is neutral and non-polar, with phenylalanine, which is neutral and non-polar, at codon 8 of the RBP4 protein (p.Leu8Phe). This variant is present in population databases (rs11546956, gnomAD 0.008%). This variant has not been reported in the literature in individuals affected with RBP4-related conditions. ClinVar contains an entry for this variant (Variation ID: 499650). An algorithm developed to predict the effect of missense changes on protein structure and function (PolyPhen-2) suggests that this variant is likely to be tolerated. In summary, the available evidence is currently insufficient to determine the role of this variant in disease. Therefore, it has been classified as a Variant of Uncertain Significance.

Blueprint Genetics
Classification: Uncertain significance. Last evaluated: 2022-08-26. Review status: criteria provided, single submitter. Criteria: ACMG Guidelines, 2015. Collection method: clinical testing. Allele origin: germline.

Eurofins Ntd Llc (ga)
Classification: Uncertain significance. Last evaluated: 2017-02-05. Review status: criteria provided, single submitter. Criteria: EGL Classification Definitions 2015. Collection method: clinical testing. Allele origin: germline. Observed: 1 variant allele, 1 heterozygote.

Institute of Human Genetics, Univ. Regensburg, Univ. Regensburg
Classification: Uncertain significance for Retinal dystrophy. Last evaluated: 2022-01-01. Review status: no assertion criteria provided. Criteria: ACMG Guidelines, 2015. Collection method: clinical testing. Allele origin: germline. Affected: yes. Not counted in ClinVar's aggregate classification.

Department of Pathology and Laboratory Medicine, Sinai Health System
Classification: Uncertain significance. Review status: no assertion criteria provided. Collection method: clinical testing. Allele origin: unknown. Affected: yes. Study: The Canadian Open Genetics Repository (COGR). Not counted in ClinVar's aggregate classification.
Comment: The RBP4 p.L8F variant was not identified in the literature but was identified in dbSNP (ID: rs11546956) and ClinVar (classified as uncertain significance by EGL Genetic Diagnostics). The variant was identified in control databases in 9 of 274106 chromosomes at a frequency of 0.00003283, and was observed at the highest frequency in the European (non-Finnish) population in 8 of 124154 chromosomes (freq: 0.00006444) (Genome Aggregation Database March 6, 2019, v2.1.1). The p.L8 residue is not conserved in mammals and computational analyses (MUT Assesor, PolyPhen-2, SIFT, MutationTaster, Revel, FATHMM, MetaLR, DANN) do not suggest a high likelihood of impact to the protein; however this information is not predictive enough to rule out pathogenicity. The variant occurs outside of the splicing consensus sequence and in silico or computational prediction software programs (Splice AI exome) do not predict a difference in splicing. In summary, based on the above information the clinical significance of this variant cannot be determined with certainty at this time. This variant is classified as a variant of uncertain significance.